The following is an entry in ClinVar:

NM_001256627.2(BRSK2):c.1242C>T (p.Ser414=)

Gene: BRSK2 (BR serine/threonine kinase 2; plus strand). Cytogenetic location: 11p15.5.
Variant type: single nucleotide variant.
Coding change: c.1242C>T on transcript NM_001256627.2 (MANE Select); coding-DNA position 1242, C replaced by T.
Protein change: p.Ser414=; no amino-acid change (serine 414 retained).
Molecular consequence: synonymous variant. On other transcripts: non-coding transcript variant (1).
Genome position (GRCh38, 1-based): chr11:1,449,791, C>T. VCF-style: chr11-1449791-C-T. GRCh37 (hg19) VCF-style: chr11-1471021-C-T.
Other names: c.1242C>T, p.Ser414= (NM_001256629.2, NM_003957.4); c.1380C>T, p.Ser460= (NM_001256630.1); c.1062C>T, p.Ser354= (NM_001282218.2).
Identifiers: ClinVar variation 2641329 (VCV002641329.24), dbSNP rs371004156, ClinGen allele CA5810942.
Genomic context (GRCh38, chr11:1,449,791, plus strand): 5'-ACTGCCCCCTGGCTGAGCAGTGGCCCTGTACCTTGTGACCTCCAGGTCTCGGTCCATCAG[C>T]GGTGCCTCCTCAGGCCTTTCCACCAGCCCACTCAGCAGCCCCCGGGTGAGTGACCCCCCG-3'
Protein context (NP_001243556.1, residues 404-424): AQHGQRSRSI[Ser414=]GASSGLSTSP

ClinVar aggregate classification (germline): Likely benign (1 of 4 stars; one submission).

Allele frequency attached by ClinVar (database versions not stated): ExAC 0.00013; TOPMed 0.00014; 1000 Genomes Project 30x 0.00016; ESP Exome Variant Server 0.00016; gnomAD 0.00017; gnomAD exomes 0.00018; 1000 Genomes Project 0.00020.
gnomAD v4.1: 284 of 1,612,290 alleles (0.018%); highest among the groups gnomAD compares: Middle Eastern, 0.05%; no homozygotes.

Submission:

CeGaT Center for Human Genetics Tuebingen
Classification: Likely benign. Last evaluated: 2023-09-01. Review status: criteria provided, single submitter. Criteria: CeGaT Center For Human Genetics Tuebingen Variant Classification Criteria Version 2. Collection method: clinical testing. Allele origin: germline. Affected: yes. Observed: 1 variant allele.
Comment: BRSK2: BP4, BP7